The following is an entry in ClinVar:

NM_133433.4(NIPBL):c.5972-4C>T

Gene: NIPBL (NIPBL cohesin loading factor; plus strand). Cytogenetic location: 5p13.2.
Variant type: single nucleotide variant.
Coding change: c.5972-4C>T on transcript NM_133433.4 (MANE Select); 4 bases into the intron before coding-DNA position 5972, C replaced by T.
Molecular consequence: intron variant.
Genome position (GRCh38, 1-based): chr5:37,038,598, C>T. VCF-style: chr5-37038598-C-T. GRCh37 (hg19) VCF-style: chr5-37038700-C-T.
Other names: c.5972-4C>T (NM_015384.5).
Identifiers: ClinVar variation 3630016 (VCV003630016.1).

ClinVar aggregate classification (germline): Uncertain significance (1 of 4 stars; one submission).

gnomAD v4.1: 18 of 1,612,956 alleles (0.0011%); highest among the groups gnomAD compares: Non-Finnish European, 0.0015%; no homozygotes.

Submission:

Women's Health and Genetics/Laboratory Corporation of America, LabCorp
Classification: Uncertain significance. Last evaluated: 2024-11-19. Review status: criteria provided, single submitter. Criteria: LabCorp Variant Classification Summary - May 2015. Collection method: clinical testing. Allele origin: germline.
Comment: Variant summary: NIPBL c.5972-4C>T alters a nucleotide located close to a canonical splice site and therefore could affect mRNA splicing, leading to a significantly altered protein sequence. Consensus agreement among computation tools predict no significant impact on normal splicing. However, these predictions have yet to be confirmed by functional studies. The variant allele was found at a frequency of 8e-06 in 251116 control chromosomes. The available data on variant occurrences in the general population are insufficient to allow any conclusion about variant significance. To our knowledge, no occurrence of c.5972-4C>T in individuals affected with Cornelia De Lange Syndrome 1 and no experimental evidence demonstrating its impact on protein function have been reported. No submitters have cited clinical-significance assessments for this variant to ClinVar. Based on the evidence outlined above, the variant was classified as uncertain significance.